The following is an entry in ClinVar:

NM_005360.5(MAF):c.1014G>T (p.Val338=)

Gene: MAF (MAF bZIP transcription factor; minus strand). Cytogenetic location: 16q23.2.
Variant type: single nucleotide variant.
Coding change: c.1014G>T on transcript NM_005360.5 (MANE Select); coding-DNA position 1014, G replaced by T.
Protein change: p.Val338=; no amino-acid change (valine 338 retained).
Molecular consequence: synonymous variant.
Genome position (GRCh38, 1-based): chr16:79,598,889, C>A on the plus strand (G>T on the coding strand, the complement: MAF is on the minus strand). VCF-style: chr16-79598889-C-A. GRCh37 (hg19) VCF-style: chr16-79632786-C-A.
Other names: c.1014G>T, p.Val338= (NM_001031804.3).
Identifiers: ClinVar variation 5039600 (VCV005039600.1).

ClinVar aggregate classification (germline): Likely benign (1 of 4 stars; one submission).

gnomAD v4.1: 2 of 1,613,798 alleles (0.00012%); highest among the groups gnomAD compares: Non-Finnish European, 0.00017%; no homozygotes.

Submission:

CeGaT Center for Human Genetics Tuebingen
Classification: Likely benign. Last evaluated: 2026-07-01. Review status: criteria provided, single submitter. Criteria: CeGaT Center For Human Genetics Tuebingen Variant Classification Criteria Version 2. Collection method: clinical testing. Allele origin: germline. Affected: yes. Observed: 1 variant allele.
Comment: MAF: BP4, BP7